The following is an entry in ClinVar:

ClinVar aggregate classification (germline): Pathogenic. Review status: criteria provided, multiple submitters, no conflicts (2 of 4 stars). 2 submissions from 2 submitters: Pathogenic (2). Last evaluated 2024-05-08.

Conditions:
Microcephaly, normal intelligence and immunodeficiency (NBS). Also called: Nijmegen breakage syndrome; Microcephaly with normal intelligence immunodeficiency and lymphoreticular malignancies; Nonsyndromal microcephaly autosomal recessive with normal intelligence; Seemanova syndrome 2; Immunodeficiency, microcephaly with normal intelligence; IMMUNODEFICIENCY, MICROCEPHALY, AND CHROMOSOMAL INSTABILITY. Identifiers: Orphanet 647, MedGen C0398791, MONDO:0009623, OMIM 251260.
Hereditary cancer-predisposing syndrome. Also called: Neoplastic Syndromes, Hereditary; Hereditary Cancer Syndrome; Hereditary neoplastic syndrome; Tumor predisposition. Identifiers: Orphanet 140162, MedGen C0027672, MeSH D009386, MONDO:0015356.

Submissions (2):

Myriad Genetics, Inc.
Classification: Pathogenic for Microcephaly, normal intelligence and immunodeficiency. Last evaluated: 2024-05-08. Review status: criteria provided, single submitter. Criteria: Myriad Autosomal Dominant, Autosomal Recessive and X-Linked Classification Criteria (2023). Collection method: clinical testing. Allele origin: unknown.
Comment: NM_002485.4(NBN):c.1048G>T(E350*) is expected to be pathogenic in the context of Nijmegen breakage syndrome. This variant is predicted to lead to an abnormal or absent protein product due to the creation of a premature termination codon in NBN, a gene where loss-of-function variants are known to be pathogenic. Please note: this variant was assessed in the context of healthy population screening.

Ambry Genetics
Classification: Pathogenic for Hereditary cancer-predisposing syndrome. Last evaluated: 2019-03-12. Review status: criteria provided, single submitter. Criteria: Ambry Variant Classification Scheme 2023. Collection method: clinical testing. Allele origin: germline.
Comment: The p.E350* pathogenic mutation (also known as c.1048G>T), located in coding exon 9 of the NBN gene, results from a G to T substitution at nucleotide position 1048. This changes the amino acid from a glutamic acid to a stop codon within coding exon 9. This alteration is expected to result in loss of function by premature protein truncation or nonsense-mediated mRNA decay. As such, this alteration is interpreted as a disease-causing mutation.

NM_002485.5(NBN):c.1048G>T (p.Glu350Ter)

Gene: NBN (nibrin; minus strand). Cytogenetic location: 8q21.3.
Variant type: single nucleotide variant.
Coding change: c.1048G>T on transcript NM_002485.5 (MANE Select); coding-DNA position 1048, G replaced by T.
Protein change: p.Glu350Ter; replaces glutamic acid 350 with a stop codon.
Molecular consequence: nonsense.
Genome position (GRCh38, 1-based): chr8:89,958,801, C>A on the plus strand (G>T on the coding strand, the complement: NBN is on the minus strand). VCF-style: chr8-89958801-C-A. GRCh37 (hg19) VCF-style: chr8-90971029-C-A.
Other names: c.802G>T, p.Glu268Ter (NM_001024688.3); short protein forms E268*, E350*.
Identifiers: ClinVar variation 822047 (VCV000822047.5), dbSNP rs1586065938, ClinGen allele CA371656720.
Genomic context (GRCh38, chr8:89,958,801, plus strand): 5'-CTGATTCTGTGTCAGCTACGTATGTTGTAGTGTTCACTGGGGCGCTTGGCATTAGTTTTT[C>A]ATCAACTGACACGCCTTGTGAAAGGCTTGGTCCTGGAGTTGTTGTCTTTAATCCTGTAAA-3'